The following is an entry in ClinVar:

ClinVar aggregate classification (germline): Likely benign. Review status: criteria provided, multiple submitters, no conflicts (2 of 4 stars). 2 submissions from 2 submitters: Likely benign (2). Last evaluated 2026-04-01.

Allele frequency attached by ClinVar (database versions not stated): gnomAD exomes below 0.00001; gnomAD 0.00001.
gnomAD v4.1: 3 of 1,609,464 alleles (0.00019%); highest among the groups gnomAD compares: African/African-American, 0.0027%; no homozygotes.

Submissions (2):

CeGaT Center for Human Genetics Tuebingen
Classification: Likely benign. Last evaluated: 2026-04-01. Review status: criteria provided, single submitter. Criteria: CeGaT Center For Human Genetics Tuebingen Variant Classification Criteria Version 2. Collection method: clinical testing. Allele origin: germline. Affected: yes. Observed: 1 variant allele.
Comment: COL7A1: BP4, BP7

Labcorp Genetics (formerly Invitae), Labcorp
Classification: Likely benign. Last evaluated: 2023-02-14. Review status: criteria provided, single submitter. Criteria: Invitae Variant Classification Sherloc (09022015). Collection method: clinical testing. Allele origin: germline.

NM_000094.4(COL7A1):c.5667A>G (p.Pro1889=)

Gene: COL7A1 (collagen type VII alpha 1 chain; minus strand). Cytogenetic location: 3p21.31.
Variant type: single nucleotide variant.
Coding change: c.5667A>G on transcript NM_000094.4 (MANE Select); coding-DNA position 5667, A replaced by G.
Protein change: p.Pro1889=; no amino-acid change (proline 1889 retained).
Molecular consequence: synonymous variant.
Genome position (GRCh38, 1-based): chr3:48,576,709, T>C on the plus strand (A>G on the coding strand, the complement: COL7A1 is on the minus strand). VCF-style: chr3-48576709-T-C. GRCh37 (hg19) VCF-style: chr3-48614142-T-C.
Identifiers: ClinVar variation 2837021 (VCV002837021.5), dbSNP rs987816580, ClinGen allele CA73977284.